The following is an entry in ClinVar:

ClinVar aggregate classification (germline): Uncertain significance (1 of 4 stars; one submission).

Conditions:
Periodic fever-infantile enterocolitis-autoinflammatory syndrome. Also called: Autoinflammation with infantile enterocolitis. Identifiers: Orphanet 436166, MedGen C4015067, MONDO:0014472, OMIM 616050.
Familial cold autoinflammatory syndrome 4 (FCAS4). Identifiers: Orphanet 47045, Orphanet 576349, MedGen C4015276, MONDO:0014498, OMIM 616115.

Submission:

Labcorp Genetics (formerly Invitae), Labcorp
Classification: Uncertain significance for Periodic fever-infantile enterocolitis-autoinflammatory syndrome; Familial cold autoinflammatory syndrome 4. Last evaluated: 2024-03-05. Review status: criteria provided, single submitter. Criteria: Invitae Variant Classification Sherloc (09022015). Collection method: clinical testing. Allele origin: germline.
Comment: This sequence change replaces leucine, which is neutral and non-polar, with phenylalanine, which is neutral and non-polar, at codon 426 of the NLRC4 protein (p.Leu426Phe). This variant is not present in population databases (gnomAD no frequency). This variant has not been reported in the literature in individuals affected with NLRC4-related conditions. Advanced modeling of protein sequence and biophysical properties (such as structural, functional, and spatial information, amino acid conservation, physicochemical variation, residue mobility, and thermodynamic stability) performed at Invitae indicates that this missense variant is expected to disrupt NLRC4 protein function with a positive predictive value of 80%. In summary, the available evidence is currently insufficient to determine the role of this variant in disease. Therefore, it has been classified as a Variant of Uncertain Significance.

NM_001199138.2(NLRC4):c.1276C>T (p.Leu426Phe)

Gene: NLRC4 (NLR family CARD domain containing 4; minus strand). Cytogenetic location: 2p22.3.
Variant type: single nucleotide variant.
Coding change: c.1276C>T on transcript NM_001199138.2 (MANE Select); coding-DNA position 1276, C replaced by T.
Protein change: p.Leu426Phe; replaces leucine 426 with phenylalanine.
Molecular consequence: missense variant. On other transcripts: intron variant (1).
Genome position (GRCh38, 1-based): chr2:32,250,588, G>A on the plus strand (C>T on the coding strand, the complement: NLRC4 is on the minus strand). VCF-style: chr2-32250588-G-A. GRCh37 (hg19) VCF-style: chr2-32475657-G-A.
Other names: c.1276C>T, p.Leu426Phe (NM_001199139.2, NM_021209.5); c.262+1831C>T (NM_001302504.1); short protein forms L426F.
Identifiers: ClinVar variation 3757993 (VCV003757993.2).